The following is an entry in ClinVar:

NM_017419.3(ASIC5):c.181C>T (p.Arg61Cys)

Gene: ASIC5 (acid sensing ion channel subunit family member 5; minus strand). Cytogenetic location: 4q32.1.
Variant type: single nucleotide variant.
Coding change: c.181C>T on transcript NM_017419.3 (MANE Select); coding-DNA position 181, C replaced by T.
Protein change: p.Arg61Cys; replaces arginine 61 with cysteine.
Molecular consequence: missense variant.
Genome position (GRCh38, 1-based): chr4:155,863,614, G>A on the plus strand (C>T on the coding strand, the complement: ASIC5 is on the minus strand). VCF-style: chr4-155863614-G-A. GRCh37 (hg19) VCF-style: chr4-156784766-G-A.
Other names: short protein forms R61C.
Identifiers: ClinVar variation 4981700 (VCV004981700.1).
Genomic context (GRCh38, chr4:155,863,614, plus strand): 5'-AGATCTGCCATGTCACAAGTGAGACTGAGCCCAGAACCACCACCAACCAGAGCACCCTGC[G>A]AATTTTGCTCCGGTTCTGAACAATATTGTGTATCCCATGAAAGGAAGTGGAGATGGCAAA-3'
Protein context (NP_059115.1, residues 51-71): HNIVQNRSKI[Arg61Cys]RVLWLVVVLG

ClinVar aggregate classification (germline): Uncertain significance (1 of 4 stars; one submission).

Conditions:
ASIC5-related disorder. Also called: ASIC5-related condition.

gnomAD v4.1: 72 of 1,613,668 alleles (0.0045%); highest among the groups gnomAD compares: South Asian, 0.013%; no homozygotes.

Submission:

PreventionGenetics, part of Exact Sciences
Classification: Uncertain significance for ASIC5-related condition. Last evaluated: 2025-10-01. Review status: criteria provided, single submitter. Criteria: ACMG Guidelines, 2015. Collection method: clinical testing. Allele origin: germline.
Comment: The ASIC5 c.181C>T variant is predicted to result in the amino acid substitution p.Arg61Cys. To our knowledge, this variant has not been reported in the literature. This variant is reported in 0.020% of alleles in individuals of East Asian descent in gnomAD. At this time, the clinical significance of this variant is uncertain due to the absence of conclusive functional and genetic evidence.